The following is an entry in ClinVar:

NM_152564.5(VPS13B):c.5793C>G (p.Tyr1931Ter)

Gene: VPS13B (vacuolar protein sorting 13 homolog B; plus strand). Cytogenetic location: 8q22.2.
Variant type: single nucleotide variant.
Coding change: c.5793C>G on transcript NM_152564.5 (MANE Select); coding-DNA position 5793, C replaced by G.
Protein change: p.Tyr1931Ter; replaces tyrosine 1931 with a stop codon.
Molecular consequence: nonsense.
Genome position (GRCh38, 1-based): chr8:99,642,383, C>G. VCF-style: chr8-99642383-C-G. GRCh37 (hg19) VCF-style: chr8-100654611-C-G.
Other names: c.5868C>G, p.Tyr1956Ter (NM_017890.5); short protein forms Y1931*, Y1956*.
Identifiers: ClinVar variation 3337738 (VCV003337738.3).

ClinVar aggregate classification (germline): Pathogenic/Likely pathogenic. Review status: criteria provided, multiple submitters, no conflicts (2 of 4 stars). 3 submissions from 3 submitters: Pathogenic (2); Likely pathogenic (1). Last evaluated 2024-03-06.

Conditions:
VPS13B-related disorder. Also called: VPS13B-related condition.
Cohen syndrome (COH1). Also called: PEPPER SYNDROME; Cutis verticis gyrata, retinitis pigmentosa, and sensorineural deafness. Identifiers: Orphanet 193, MedGen C0265223, MONDO:0008999, OMIM 216550.

Submissions (3):

Myriad Genetics, Inc.
Classification: Pathogenic for Cohen syndrome. Last evaluated: 2024-03-06. Review status: criteria provided, single submitter. Criteria: Myriad Autosomal Dominant, Autosomal Recessive and X-Linked Classification Criteria (2023). Collection method: clinical testing. Allele origin: unknown.
Comment: NM_017890.4(VPS13B):c.5868C>G(Y1956*) is expected to be pathogenic in the context of Cohen syndrome. This variant is predicted to lead to an abnormal or absent protein product due to the creation of a premature termination codon in VPS13B, a gene where loss-of-function variants are known to be pathogenic. Please note: this variant was assessed in the context of healthy population screening.

Blueprint Genetics
Classification: Likely pathogenic for VPS13B-related disorders. Last evaluated: 2023-01-03. Review status: criteria provided, single submitter. Criteria: ACMG Guidelines, 2015. Collection method: clinical testing. Allele origin: germline. Affected: yes. Observed: 1 variant allele.

Clinical Genetics Laboratory, Skane University Hospital Lund
Classification: Pathogenic. Last evaluated: 2022-08-09. Review status: criteria provided, single submitter. Criteria: ACMG Guidelines, 2015. Collection method: clinical testing. Allele origin: germline. Affected: yes.